The following is an entry in ClinVar:

NM_001365951.3(KIF1B):c.5225G>T (p.Arg1742Leu)

Gene: KIF1B (kinesin family member 1B; plus strand). Cytogenetic location: 1p36.22.
Variant type: single nucleotide variant.
Coding change: c.5225G>T on transcript NM_001365951.3 (MANE Select); coding-DNA position 5225, G replaced by T.
Protein change: p.Arg1742Leu; replaces arginine 1742 with leucine.
Molecular consequence: missense variant.
Genome position (GRCh38, 1-based): chr1:10,374,982, G>T. VCF-style: chr1-10374982-G-T. GRCh37 (hg19) VCF-style: chr1-10435040-G-T.
Other names: c.5225G>T, p.Arg1742Leu (NM_001365952.1); c.5087G>T, p.Arg1696Leu (NM_015074.3); short protein forms R1696L, R1742L.
Identifiers: ClinVar variation 1745249 (VCV001745249.3), dbSNP rs768058092, ClinGen allele CA338330810.

ClinVar aggregate classification (germline): Uncertain significance (1 of 4 stars; one submission).

gnomAD v4.1: 13 of 1,614,142 alleles (0.00081%); highest among the groups gnomAD compares: Non-Finnish European, 0.001%; no homozygotes.

Submission:

Ambry Genetics
Classification: Uncertain significance. Last evaluated: 2025-04-05. Review status: criteria provided, single submitter. Criteria: Ambry Variant Classification Scheme 2023. Collection method: clinical testing. Allele origin: germline.
Comment: The p.R1696L variant (also known as c.5087G>T), located in coding exon 44 of the KIF1B gene, results from a G to T substitution at nucleotide position 5087. The arginine at codon 1696 is replaced by leucine, an amino acid with dissimilar properties. This amino acid position is conserved. In addition, the in silico prediction for this alteration is inconclusive. Since supporting evidence is limited at this time, the clinical significance of this alteration remains unclear.